The following is an entry in ClinVar:

NM_021930.6(RINT1):c.2081A>T (p.Asn694Ile)

Genes: EFCAB10 (EF-hand calcium binding domain 10; minus strand), RINT1 (RAD50 interactor 1; plus strand). Cytogenetic location: 7q22.3.
Variant type: single nucleotide variant.
Coding change: c.2081A>T on transcript NM_021930.6 (MANE Select); coding-DNA position 2081, A replaced by T.
Protein change: p.Asn694Ile; replaces asparagine 694 with isoleucine.
Molecular consequence: missense variant. On other transcripts: 3 prime UTR variant (1), non-coding transcript variant (1), intron variant (2).
Genome position (GRCh38, 1-based): chr7:105,565,543, A>T. VCF-style: chr7-105565543-A-T. GRCh37 (hg19) VCF-style: chr7-105205990-A-T.
Other names: c.*6T>A (NM_001355530.2); c.1847A>T, p.Asn616Ile (NM_001346599.2); c.1058A>T, p.Asn353Ile (NM_001346600.2, NM_001346603.2); c.1157A>T, p.Asn386Ile (NM_001346601.2); c.360-96T>A (NM_001355531.2); c.384-96T>A (NM_001355526.2); short protein forms N353I, N616I, N694I, N386I.
Identifiers: ClinVar variation 3314428 (VCV003314428.1).

ClinVar aggregate classification (germline): Uncertain significance (1 of 4 stars; one submission).

Submission:

Ambry Genetics
Classification: Uncertain significance. Last evaluated: 2024-05-20. Review status: criteria provided, single submitter. Criteria: Ambry Variant Classification Scheme 2023. Collection method: clinical testing. Allele origin: germline.
Comment: The p.N694I variant (also known as c.2081A>T), located in coding exon 14 of the RINT1 gene, results from an A to T substitution at nucleotide position 2081. The asparagine at codon 694 is replaced by isoleucine, an amino acid with dissimilar properties. This amino acid position is conserved. In addition, the in silico prediction for this alteration is inconclusive. Based on the available evidence, the clinical significance of this variant remains unclear.